The following is an entry in ClinVar:

NM_001040108.2(MLH3):c.2611G>A (p.Glu871Lys)

Gene: MLH3 (mutL homolog 3; minus strand). Cytogenetic location: 14q24.3.
Variant type: single nucleotide variant.
Coding change: c.2611G>A on transcript NM_001040108.2 (MANE Select); coding-DNA position 2611, G replaced by A.
Protein change: p.Glu871Lys; replaces glutamic acid 871 with lysine.
Molecular consequence: missense variant.
Genome position (GRCh38, 1-based): chr14:75,047,045, C>T on the plus strand (G>A on the coding strand, the complement: MLH3 is on the minus strand). VCF-style: chr14-75047045-C-T. GRCh37 (hg19) VCF-style: chr14-75513748-C-T.
Other names: c.2611G>A, p.Glu871Lys (NM_014381.3); short protein forms E871K.
Identifiers: ClinVar variation 4844642 (VCV004844642.1).

ClinVar aggregate classification (germline): Uncertain significance (1 of 4 stars; one submission).

Submission:

Ambry Genetics
Classification: Uncertain significance. Last evaluated: 2026-02-15. Review status: criteria provided, single submitter. Criteria: Ambry Variant Classification Scheme 2023. Collection method: clinical testing. Allele origin: germline.
Comment: The p.E871K variant (also known as c.2611G>A), located in coding exon 1 of the MLH3 gene, results from a G to A substitution at nucleotide position 2611. The glutamic acid at codon 871 is replaced by lysine, an amino acid with similar properties. This amino acid position is conserved. In addition, this alteration is predicted to be tolerated by in silico analysis. Based on the available evidence, the clinical significance of this variant remains unclear.